The following is an entry in ClinVar:

NM_017612.5(ZCCHC8):c.1446C>T (p.Pro482=)

Gene: ZCCHC8 (zinc finger CCHC-type containing 8; minus strand). Cytogenetic location: 12q24.31.
Variant type: single nucleotide variant.
Coding change: c.1446C>T on transcript NM_017612.5 (MANE Select); coding-DNA position 1446, C replaced by T.
Protein change: p.Pro482=; no amino-acid change (proline 482 retained).
Molecular consequence: synonymous variant.
Genome position (GRCh38, 1-based): chr12:122,474,175, G>A on the plus strand (C>T on the coding strand, the complement: ZCCHC8 is on the minus strand). VCF-style: chr12-122474175-G-A. GRCh37 (hg19) VCF-style: chr12-122958722-G-A.
Other names: c.1215C>T, p.Pro405= (NM_001350935.2); c.1149C>T, p.Pro383= (NM_001350936.2); c.732C>T, p.Pro244= (NM_001350937.2, NM_001350938.2).
Identifiers: ClinVar variation 1604337 (VCV001604337.11), dbSNP rs74736991, ClinGen allele CA6846169.
Genomic context (GRCh38, chr12:122,474,175, plus strand): 5'-CTGGGGTGAGTCACTGGGAGTCAGCGGCGGGGTGCCCTTTGGGAGTGGAGGGGTGAAGAC[G>A]GGTGGAGGAGTTCCCCGGGGGAGTGGAGGAGTGTCAGGAGGTAATGGTGGTTGAAACTGA-3'
Protein context (NP_060082.2, residues 472-492): TPPLPRGTPP[Pro482=]VFTPPLPKGT

ClinVar aggregate classification (germline): Benign/Likely benign. Review status: criteria provided, multiple submitters, no conflicts (2 of 4 stars). 4 submissions from 4 submitters: Benign (2); Likely benign (2). Last evaluated 2026-09-01.

Allele frequency attached by ClinVar (database versions not stated): gnomAD exomes 0.00059; ExAC 0.00062; 1000 Genomes Project 0.00100; 1000 Genomes Project 30x 0.00109; gnomAD 0.00190 and 0.00208; TOPMed 0.00239; ESP Exome Variant Server 0.00292.
gnomAD v4.1: 524 of 1,514,372 alleles (0.035%); highest among the groups gnomAD compares: African/African-American, 0.66%; 4 homozygotes.

Submissions (4):

CeGaT Center for Human Genetics Tuebingen
Classification: Likely benign. Last evaluated: 2026-09-01. Review status: criteria provided, single submitter. Criteria: CeGaT Center For Human Genetics Tuebingen Variant Classification Criteria Version 2. Collection method: clinical testing. Allele origin: germline. Affected: yes. Observed: 1 variant allele.
Comment: ZCCHC8: BP4, BP7

Labcorp Genetics (formerly Invitae), Labcorp
Classification: Benign. Last evaluated: 2026-01-06. Review status: criteria provided, single submitter. Criteria: Invitae Variant Classification Sherloc (09022015). Collection method: clinical testing. Allele origin: germline.

Blueprint Genetics
Classification: Likely benign. Last evaluated: 2024-08-23. Review status: criteria provided, single submitter. Criteria: ACMG Guidelines, 2015. Collection method: clinical testing. Allele origin: germline.

Breakthrough Genomics
Classification: Benign. Review status: criteria provided, single submitter. Criteria: ACMG Guidelines, 2015. Collection method: not provided. Allele origin: germline. Inheritance: Autosomal dominant inheritance. Affected: yes.